The following is an entry in ClinVar:

ClinVar aggregate classification (germline): Pathogenic (1 of 4 stars; one submission).

Conditions:
Pyknodysostosis. Also called: Pycnodysostosis. Identifiers: Orphanet 763, MedGen C0238402, MONDO:0009940, OMIM 265800.

Submission:

Myriad Genetics, Inc.
Classification: Pathogenic for Pyknodysostosis. Last evaluated: 2026-05-06. Review status: criteria provided, single submitter. Criteria: Myriad Autosomal Dominant, Autosomal Recessive and X-Linked Classification Criteria (2023). Collection method: clinical testing. Allele origin: unknown.
Comment: NM_000396.3(CTSK):c.168dupT(I57Yfs*5) is expected to be pathogenic in the context of pycnodysostosis. This variant is predicted to lead to an abnormal or absent protein product due to the creation of a premature termination codon in CTSK, a gene where loss-of-function variants are known to be pathogenic. Please note: this variant was assessed in the context of healthy population screening.

NM_000396.4(CTSK):c.168dup (p.Ile57fs)

Gene: CTSK (cathepsin K; minus strand). Cytogenetic location: 1q21.3.
Variant type: Duplication.
Coding change: c.168dup on transcript NM_000396.4 (MANE Select); coding-DNA position 168, one base duplicated (T; older notation c.168dupT).
Protein change: p.Ile57fs; shifts the reading frame from isoleucine 57.
Molecular consequence: frameshift variant.
Genome position (GRCh38, 1-based): chr1:150,806,177, A duplicated on the plus strand (T on the coding strand, the reverse complement: CTSK is on the minus strand). VCF-style (leftmost placement, unchanged base first): chr1-150806176-T-TA. GRCh37 (hg19) VCF-style: chr1-150778652-T-TA.
Other names: short protein forms I57fs.
Identifiers: ClinVar variation 5015885 (VCV005015885.1).
Genomic context (GRCh38, chr1:150,806,176, plus strand): 5'-GGTTCATAGCCAGTTCATATGTATGGACACCAAGAGAAGCCTCAAGGTTATGGATGGAAA[T>TA]ATACTTCAGGTTTTTTTCCCAAATTAAACGCCGAGAGATTTCATCCACCTAAACAAAGCA-3'